The following is an entry in ClinVar:

ClinVar aggregate classification (germline): Likely pathogenic. Review status: criteria provided, multiple submitters, no conflicts (2 of 4 stars). 2 submissions from 2 submitters: Likely pathogenic (2). Last evaluated 2023-06-21.

Conditions:
Joubert syndrome 23 (JBTS23). Identifiers: Orphanet 475, MedGen C4084822, MONDO:0014664, OMIM 616490.
Short-rib thoracic dysplasia 14 with polydactyly (SRTD14). Identifiers: Orphanet 397715, MedGen C4225286, MONDO:0014688, OMIM 616546.

Allele frequency attached by ClinVar (database versions not stated): gnomAD exomes below 0.00001 and 0.00001; TOPMed 0.00001; ExAC 0.00002.
gnomAD v4.1: 9 of 1,605,194 alleles (0.00056%); highest among the groups gnomAD compares: South Asian, 0.0067%; 1 homozygote.

Submissions (2):

GeneDx
Classification: Likely pathogenic. Last evaluated: 2023-06-21. Review status: criteria provided, single submitter. Criteria: GeneDx Variant Classification Process June 2021. Collection method: clinical testing. Allele origin: germline. Affected: yes.
Comment: Canonical splice site variant predicted to result in a null allele in a gene for which loss of function is a known mechanism of disease; Not observed at significant frequency in large population cohorts (gnomAD); Has not been previously published as pathogenic or benign to our knowledge

Labcorp Genetics (formerly Invitae), Labcorp
Classification: Likely pathogenic for Joubert syndrome 23; Short-rib thoracic dysplasia 14 with polydactyly. Last evaluated: 2022-08-22. Review status: criteria provided, single submitter. Criteria: Invitae Variant Classification Sherloc (09022015). Collection method: clinical testing. Allele origin: germline.
Comment: This sequence change affects an acceptor splice site in intron 1 of the KIAA0586 gene. It is expected to disrupt RNA splicing. Variants that disrupt the donor or acceptor splice site typically lead to a loss of protein function (PMID: 16199547), and loss-of-function variants in KIAA0586 are known to be pathogenic (PMID: 26096313, 26166481, 26386044). This variant is present in population databases (rs752709426, gnomAD 0.006%). This variant has not been reported in the literature in individuals affected with KIAA0586-related conditions. ClinVar contains an entry for this variant (Variation ID: 424017). Algorithms developed to predict the effect of sequence changes on RNA splicing suggest that this variant may disrupt the consensus splice site. In summary, the currently available evidence indicates that the variant is pathogenic, but additional data are needed to prove that conclusively. Therefore, this variant has been classified as Likely Pathogenic.

Literature cited by the submitters: PubMed 16199547 (cited by Labcorp Genetics (formerly Invitae), Labcorp); PubMed 26096313 (cited by Labcorp Genetics (formerly Invitae), Labcorp); PubMed 26166481 (cited by Labcorp Genetics (formerly Invitae), Labcorp); PubMed 26386044 (cited by Labcorp Genetics (formerly Invitae), Labcorp).

NM_001329943.3(KIAA0586):c.-29A>C

Gene: KIAA0586 (KIAA0586; plus strand). Cytogenetic location: 14q23.1.
Variant type: single nucleotide variant.
Coding change: c.-29A>C on transcript NM_001329943.3 (MANE Select); 29 bases upstream of the start codon, A replaced by C.
Molecular consequence: 5 prime UTR variant. On other transcripts: splice acceptor variant (1), intron variant (6).
Genome position (GRCh38, 1-based): chr14:58,428,236, A>C. VCF-style: chr14-58428236-A-C. GRCh37 (hg19) VCF-style: chr14-58894954-A-C.
Other names: c.-29A>C (NM_001329944.2, NM_001329946.2, NM_001329947.2 and 1 more transcripts); c.10-2A>C (NM_001244189.2); c.-38-36A>C (NM_001244190.2); c.-57+599A>C (NM_001244192.2, NM_001244191.2); c.-57+423A>C (NM_001364701.2, NM_001329945.2, NM_001364700.1).
Identifiers: ClinVar variation 424017 (VCV000424017.11), dbSNP rs752709426, ClinGen allele CA7205233.
Genomic context (GRCh38, chr14:58,428,236, plus strand): 5'-AAAGAGGTGAAAATTTTGTTCTGAAGTCTTAAGGAAACAGAGAAAGTTTTTCCGTCCTTA[A>C]GTGTGGGACTTGTTTTGTGACCAACAATATGAAAGGCTCTGAGGTCAGCTTGGAGAAGAA-3'